The following is an entry in ClinVar:

ClinVar aggregate classification (germline): Uncertain significance (1 of 4 stars; one submission).

Submission:

Labcorp Genetics (formerly Invitae), Labcorp
Classification: Uncertain significance. Last evaluated: 2023-02-11. Review status: criteria provided, single submitter. Criteria: Invitae Variant Classification Sherloc (09022015). Collection method: clinical testing. Allele origin: germline.
Comment: This sequence change replaces asparagine, which is neutral and polar, with threonine, which is neutral and polar, at codon 63 of the PRPF6 protein (p.Asn63Thr). In summary, the available evidence is currently insufficient to determine the role of this variant in disease. Therefore, it has been classified as a Variant of Uncertain Significance. Advanced modeling of protein sequence and biophysical properties (such as structural, functional, and spatial information, amino acid conservation, physicochemical variation, residue mobility, and thermodynamic stability) performed at Invitae indicates that this missense variant is not expected to disrupt PRPF6 protein function. This variant has not been reported in the literature in individuals affected with PRPF6-related conditions. This variant is not present in population databases (gnomAD no frequency).

NM_012469.4(PRPF6):c.188A>C (p.Asn63Thr)

Gene: PRPF6 (pre-mRNA processing factor 6; plus strand). Cytogenetic location: 20q13.33.
Variant type: single nucleotide variant.
Coding change: c.188A>C on transcript NM_012469.4 (MANE Select); coding-DNA position 188, A replaced by C.
Protein change: p.Asn63Thr; replaces asparagine 63 with threonine.
Molecular consequence: missense variant.
Genome position (GRCh38, 1-based): chr20:63,983,163, A>C. VCF-style: chr20-63983163-A-C. GRCh37 (hg19) VCF-style: chr20-62614516-A-C.
Other names: short protein forms N63T.
Identifiers: ClinVar variation 2836440 (VCV002836440.3), dbSNP rs2517605375, ClinGen allele CA409797493.
Genomic context (GRCh38, chr20:63,983,163, plus strand): 5'-CTGTGGATGATCGCCATGCACCCCCAGGCAAGAGAACCGTTGGGGACCAGATGAAGAAAA[A>C]TCAGGCTGCTGACGATGACGACGAGGATCTAAATGACACCAATTACGATGAGGTGAGATG-3'
Protein context (NP_036601.2, residues 53-73): KRTVGDQMKK[Asn63Thr]QAADDDDEDL